The following is an entry in ClinVar:

NM_001330078.2(NRXN1):c.2347+4A>G

Gene: NRXN1 (neurexin 1; minus strand). Cytogenetic location: 2p16.3.
Variant type: single nucleotide variant.
Coding change: c.2347+4A>G on transcript NM_001330078.2 (MANE Select); 4 bases into the intron after coding-DNA position 2347, A replaced by G.
Molecular consequence: intron variant.
Genome position (GRCh38, 1-based): chr2:50,531,223, T>C on the plus strand (A>G on the coding strand, the complement: NRXN1 is on the minus strand). VCF-style: chr2-50531223-T-C. GRCh37 (hg19) VCF-style: chr2-50758361-T-C.
Other names: c.2263+4A>G (NM_001330096.2, NM_001330087.2); c.2308+4A>G (NM_001330083.2, NM_001330084.2); c.2293+4A>G (NM_001330088.2); c.2344+4A>G (NM_001330093.2); c.2335+4A>G (NM_001330094.2); c.2323+4A>G (NM_001330095.2, NM_001330082.2, NM_001330077.2); c.2347+4A>G (NM_001330085.2, NM_004801.6, NM_001330086.2); c.2467+4A>G (NM_001135659.3).
Identifiers: ClinVar variation 3715348 (VCV003715348.3).

ClinVar aggregate classification (germline): Uncertain significance. Review status: criteria provided, multiple submitters, no conflicts (2 of 4 stars). 2 submissions from 2 submitters: Uncertain significance (2). Last evaluated 2024-09-16.

Conditions:
Pitt-Hopkins-like syndrome 2 (PTHSL2). Identifiers: Orphanet 221150, Orphanet 600663, MedGen C3280479, MONDO:0013690, OMIM 614325.

gnomAD v4.1: 6 of 1,610,900 alleles (0.00037%); highest among the groups gnomAD compares: Non-Finnish European, 0.00051%; no homozygotes.

Submissions (2):

Labcorp Genetics (formerly Invitae), Labcorp
Classification: Uncertain significance for Pitt-Hopkins-like syndrome 2. Last evaluated: 2024-09-16. Review status: criteria provided, single submitter. Criteria: Invitae Variant Classification Sherloc (09022015). Collection method: clinical testing. Allele origin: germline.
Comment: This sequence change falls in intron 12 of the NRXN1 gene. It does not directly change the encoded amino acid sequence of the NRXN1 protein. It affects a nucleotide within the consensus splice site. This variant is present in population databases (rs759074285, gnomAD 0.0009%). This variant has not been reported in the literature in individuals affected with NRXN1-related conditions. Variants that disrupt the consensus splice site are a relatively common cause of aberrant splicing (PMID: 17576681, 9536098). Algorithms developed to predict the effect of sequence changes on RNA splicing suggest that this variant is not likely to affect RNA splicing. In summary, the available evidence is currently insufficient to determine the role of this variant in disease. Therefore, it has been classified as a Variant of Uncertain Significance.

Blueprint Genetics
Classification: Uncertain significance. Last evaluated: 2023-11-30. Review status: criteria provided, single submitter. Criteria: ACMG Guidelines, 2015. Collection method: clinical testing. Allele origin: germline.

Literature cited by the submitters: PubMed 17576681 (cited by Labcorp Genetics (formerly Invitae), Labcorp); PubMed 9536098 (cited by Labcorp Genetics (formerly Invitae), Labcorp).